The following is an entry in ClinVar:

NM_001378454.1(ALMS1):c.8840C>T (p.Ser2947Phe)

Gene: ALMS1 (ALMS1 centrosome and basal body associated protein; plus strand). Cytogenetic location: 2p13.1.
Variant type: single nucleotide variant.
Coding change: c.8840C>T on transcript NM_001378454.1 (MANE Select); coding-DNA position 8840, C replaced by T.
Protein change: p.Ser2947Phe; replaces serine 2947 with phenylalanine.
Molecular consequence: missense variant.
Genome position (GRCh38, 1-based): chr2:73,490,799, C>T. VCF-style: chr2-73490799-C-T. GRCh37 (hg19) VCF-style: chr2-73717926-C-T.
Other names: c.8843C>T, p.Ser2948Phe (NM_015120.4); short protein forms S2948F, S2947F.
Identifiers: ClinVar variation 2162216 (VCV002162216.1), dbSNP rs752183792, ClinGen allele CA1714556.
Genomic context (GRCh38, chr2:73,490,799, plus strand): 5'-GAGAACTCTTTGAACAGTGCAAAGCCCCATATGTAGATCATCAAATGAGAGAAAACCATT[C>T]TCCCCTTCCTCAAGGTCAGGATTCTATAGCTTCAGACCTTCCGTCTCCCATTTCTCTTGA-3'
Protein context (NP_001365383.1, residues 2937-2957): YVDHQMRENH[Ser2947Phe]PLPQGQDSIA

ClinVar aggregate classification (germline): Uncertain significance (1 of 4 stars; one submission).

Conditions:
Alstrom syndrome (ALMS). Identifiers: Orphanet 64, MedGen C0268425, MONDO:0008763, OMIM 203800.

Allele frequency attached by ClinVar (database versions not stated): gnomAD exomes below 0.00001; ExAC 0.00001.
gnomAD v4.1: 2 of 1,614,036 alleles (0.00012%); highest among the groups gnomAD compares: South Asian, 0.0022%; no homozygotes.

Submission:

Labcorp Genetics (formerly Invitae), Labcorp
Classification: Uncertain significance for Alstrom syndrome. Last evaluated: 2022-08-12. Review status: criteria provided, single submitter. Criteria: Invitae Variant Classification Sherloc (09022015). Collection method: clinical testing. Allele origin: germline.
Comment: This sequence change replaces serine, which is neutral and polar, with phenylalanine, which is neutral and non-polar, at codon 2948 of the ALMS1 protein (p.Ser2948Phe). This variant is present in population databases (rs752183792, gnomAD 0.003%). This variant has not been reported in the literature in individuals affected with ALMS1-related conditions. Experimental studies and prediction algorithms are not available or were not evaluated, and the functional significance of this variant is currently unknown. In summary, the available evidence is currently insufficient to determine the role of this variant in disease. Therefore, it has been classified as a Variant of Uncertain Significance.